The following is an entry in ClinVar:

ClinVar aggregate classification (germline): Pathogenic (1 of 4 stars; one submission).

Conditions:
Peroxisome biogenesis disorder. Identifiers: Orphanet 79189, MedGen C1832200, MONDO:0019234. Disease mechanism: loss of function.

Submission:

Labcorp Genetics (formerly Invitae), Labcorp
Classification: Pathogenic for Peroxisome biogenesis disorder. Last evaluated: 2022-05-16. Review status: criteria provided, single submitter. Criteria: Invitae Variant Classification Sherloc (09022015). Collection method: clinical testing. Allele origin: germline.
Comment: For these reasons, this variant has been classified as Pathogenic. This variant has not been reported in the literature in individuals affected with PEX16-related conditions. This variant is not present in population databases (gnomAD no frequency). This sequence change creates a premature translational stop signal (p.Trp104*) in the PEX16 gene. It is expected to result in an absent or disrupted protein product. Loss-of-function variants in PEX16 are known to be pathogenic (PMID: 9837814, 11890679, 20647552, 20681997).

Literature cited by the submitters: PubMed 9837814; PubMed 11890679; PubMed 20647552; PubMed 20681997.

NM_004813.4(PEX16):c.312G>A (p.Trp104Ter)

Gene: PEX16 (peroxisomal biogenesis factor 16; minus strand). Cytogenetic location: 11p11.2.
Variant type: single nucleotide variant.
Coding change: c.312G>A on transcript NM_004813.4 (MANE Select); coding-DNA position 312, G replaced by A.
Protein change: p.Trp104Ter; replaces tryptophan 104 with a stop codon.
Molecular consequence: nonsense.
Genome position (GRCh38, 1-based): chr11:45,915,750, C>T on the plus strand (G>A on the coding strand, the complement: PEX16 is on the minus strand). VCF-style: chr11-45915750-C-T. GRCh37 (hg19) VCF-style: chr11-45937301-C-T.
Other names: c.312G>A, p.Trp104Ter (NM_057174.3); short protein forms W104*.
Identifiers: ClinVar variation 2124910 (VCV002124910.4), dbSNP rs2494905042, ClinGen allele CA380228510.